The following is an entry in ClinVar:

ClinVar aggregate classification (germline): Pathogenic (1 of 4 stars; one submission).

Conditions:
Mucopolysaccharidosis, MPS-II (MPS2). Also called: Hunter Syndrome; IDURONATE 2-SULFATASE DEFICIENCY; Mucopolysaccharidosis Type II; Mucopolysaccharidosis type 2; Attenuated MPS (subtype; formerly known as mild MPS II); Severe MPS II. Identifiers: Orphanet 580, Orphanet 79388, MedGen C0026705, MONDO:0010674, OMIM 309900.

Submission:

Laboratory of Diagnosis and Therapy of Lysosomal Disorders, University of Padova
Classification: Pathogenic for Mucopolysaccharidosis, MPS-II. Last evaluated: 2024-06-07. Review status: criteria provided, single submitter. Criteria: ACMG Guidelines, 2015. Collection method: literature only. Allele origin: germline. Affected: yes. Observed: 1 variant allele.
Comment: Same amino acid change as a pathogenic variant (PS1_Strong), Absent from controls (or at low frequency) in gnomAD database (PM2_Moderate), Missense change at the same amino acid residue as a pathogenic variant (PM5_Moderate), Missense variant in a gene with a low rate of benign missense variation (PP2_Supporting), Multiple lines of computational evidence support a deleterious effect (PP3_Supporting), Patient’s phenotype or family history highly specific for the disease (PP4_Strong)

Classification method: ACMG Guidelines [PMID:25741868] with modifications

Literature cited by the submitters: PubMed 36713083.

NM_000202.8(IDS):c.456C>G (p.Ser152Arg)

Genes: IDS (iduronate 2-sulfatase; minus strand), LOC106050102 (IDS recombination region; plus strand). Cytogenetic location: Xq28.
Variant type: single nucleotide variant.
Coding change: c.456C>G on transcript NM_000202.8 (MANE Select); coding-DNA position 456, C replaced by G.
Protein change: p.Ser152Arg; replaces serine 152 with arginine.
Molecular consequence: missense variant. On other transcripts: non-coding transcript variant (1).
Genome position (GRCh38, 1-based): chrX:149,501,000, G>C on the plus strand (C>G on the coding strand, the complement: IDS is on the minus strand). VCF-style: chrX-149501000-G-C. GRCh37 (hg19) VCF-style: chrX-148582531-G-C.
Other names: c.186C>G, p.Ser62Arg (NM_001166550.4); c.456C>G, p.Ser152Arg (NM_006123.5); short protein forms S152R, S62R.
Identifiers: ClinVar variation 3255740 (VCV003255740.2).
Genomic context (GRCh38, chrX:149,501,000, plus strand): 5'-CAGCCTTACCTTAGTGTTTTCATACTTCTCAGAGGAAGGATGATAAGGTGGAAAAGACCA[G>C]CTATACGGAGAATCATCGGTATGGTTAGAAGATATCCCTTGGAAAAAAAAAAAGGTTGTT-3'
Protein context (NP_000193.1, residues 142-162): SSNHTDDSPY[Ser152Arg]WSFPPYHPSS